The following is an entry in ClinVar:

ClinVar aggregate classification (germline): Uncertain significance (1 of 4 stars; one submission).

Conditions:
Rajab interstitial lung disease with brain calcifications 2. Identifiers: MedGen C5436603, MONDO:0100220, OMIM 619013.

Allele frequency attached by ClinVar (database versions not stated): ExAC 0.00001; gnomAD exomes below 0.00001; TOPMed below 0.00001.
gnomAD v4.1: 5 of 1,613,622 alleles (0.00031%); highest among the groups gnomAD compares: Admixed American, 0.0017%; no homozygotes.

Submission:

Molecular Genetics, Royal Melbourne Hospital
Classification: Uncertain significance for Rajab interstitial lung disease with brain calcifications 2. Last evaluated: 2022-06-02. Review status: criteria provided, single submitter. Criteria: ACMG Guidelines, 2015. Collection method: clinical testing. Allele origin: germline.
Comment: This sequence change in FARSA is a nonsense variant predicted to cause a premature stop codon, p.(Arg82*), in biologically relevant exon 2/13 leading to nonsense-mediated decay in a gene in which there is limited but emerging evidence that loss-of-function is the mechanism of disease (PMID: 35132614, 33598926, 31355908). The highest population minor allele frequency in gnomAD v2.1 is 0.006% (2/34,556 alleles) in Latino/admixed American population, which is consistent with recessive disease. To our knowledge, this variant has not been reported in the literature in any individuals with FARSA-related disease. Based on the classification scheme RMH Modified ACMG Guidelines v1.5.1, this variant is classified as a VARIANT OF UNCERTAIN SIGNIFICANCE. Following criteria are met: PVS1_Supporting, PM2_Supporting.

Literature cited by the submitters: PubMed 31355908; PubMed 33598926; PubMed 35132614.

NM_004461.3(FARSA):c.244C>T (p.Arg82Ter)

Genes: FARSA (phenylalanyl-tRNA synthetase subunit alpha; minus strand), FARSA-AS1 (FARSA antisense RNA 1; plus strand). Cytogenetic location: 19p13.13.
Variant type: single nucleotide variant.
Coding change: c.244C>T on transcript NM_004461.3 (MANE Select); coding-DNA position 244, C replaced by T.
Protein change: p.Arg82Ter; replaces arginine 82 with a stop codon.
Molecular consequence: nonsense.
Genome position (GRCh38, 1-based): chr19:12,930,653, G>A on the plus strand (C>T on the coding strand, the complement: FARSA is on the minus strand). VCF-style: chr19-12930653-G-A. GRCh37 (hg19) VCF-style: chr19-13041467-G-A.
Other names: short protein forms R82*.
Identifiers: ClinVar variation 3068613 (VCV003068613.1), dbSNP rs758753731, ClinGen allele CA9235484.